The following is an entry in ClinVar:

NM_004525.3(LRP2):c.3358C>T (p.Gln1120Ter)

Gene: LRP2 (LDL receptor related protein 2; minus strand). Cytogenetic location: 2q31.1.
Variant type: single nucleotide variant.
Coding change: c.3358C>T on transcript NM_004525.3 (MANE Select); coding-DNA position 3358, C replaced by T.
Protein change: p.Gln1120Ter; replaces glutamine 1120 with a stop codon.
Molecular consequence: nonsense.
Genome position (GRCh38, 1-based): chr2:169,244,765, G>A on the plus strand (C>T on the coding strand, the complement: LRP2 is on the minus strand). VCF-style: chr2-169244765-G-A. GRCh37 (hg19) VCF-style: chr2-170101275-G-A.
Other names: short protein forms Q1120*.
Identifiers: ClinVar variation 5014154 (VCV005014154.1).

ClinVar aggregate classification (germline): Pathogenic (1 of 4 stars; one submission).

Conditions:
Donnai-Barrow syndrome. Also called: DBS/FOAR SYNDROME; FACIOOCULOACOUSTICORENAL SYNDROME. Identifiers: Orphanet 2143, MedGen C1857277, MONDO:0009104, OMIM 222448.

Submission:

Myriad Genetics, Inc.
Classification: Pathogenic for Donnai-Barrow syndrome. Last evaluated: 2025-03-01. Review status: criteria provided, single submitter. Criteria: Myriad Autosomal Dominant, Autosomal Recessive and X-Linked Classification Criteria (2023). Collection method: clinical testing. Allele origin: unknown.
Comment: NM_004525.2(LRP2):c.3358C>T(Q1120*) is expected to be pathogenic in the context of Donnai-Barrow syndrome. This variant is predicted to lead to an abnormal or absent protein product due to the creation of a premature termination codon in LRP2, a gene where loss-of-function variants are known to be pathogenic. Please note: this variant was assessed in the context of healthy population screening.